The following is an entry in ClinVar:

NM_139318.5(KCNH5):c.388G>C (p.Asp130His)

Gene: KCNH5 (potassium voltage-gated channel subfamily H member 5; minus strand). Cytogenetic location: 14q23.2.
Variant type: single nucleotide variant.
Coding change: c.388G>C on transcript NM_139318.5 (MANE Select); coding-DNA position 388, G replaced by C.
Protein change: p.Asp130His; replaces aspartic acid 130 with histidine.
Molecular consequence: missense variant.
Genome position (GRCh38, 1-based): chr14:63,001,376, C>G on the plus strand (G>C on the coding strand, the complement: KCNH5 is on the minus strand). VCF-style: chr14-63001376-C-G. GRCh37 (hg19) VCF-style: chr14-63468094-C-G.
Other names: c.388G>C, p.Asp130His (NM_172375.3); short protein forms D130H.
Identifiers: ClinVar variation 4833037 (VCV004833037.1).

ClinVar aggregate classification (germline): Likely pathogenic (1 of 4 stars; one submission).

Conditions:
Inborn genetic diseases. Identifiers: MedGen C0950123, MeSH D030342.

Submission:

Ambry Genetics
Classification: Likely pathogenic for Inborn genetic diseases. Last evaluated: 2025-12-17. Review status: criteria provided, single submitter. Criteria: Ambry Variant Classification Scheme 2023. Collection method: clinical testing. Allele origin: germline.
Comment: The c.388G>C (p.D130H) alteration is located in exon 4 (coding exon 4) of the KCNH5 gene. This alteration results from a G to C substitution at nucleotide position 388, causing the aspartic acid (D) at amino acid position 130 to be replaced by a histidine (H). This variant was not reported in population-based cohorts in the Genome Aggregation Database (gnomAD). This amino acid position is highly conserved in available vertebrate species. This alteration is predicted to be deleterious by in silico analysis. Based on the available evidence, this alteration is classified as likely pathogenic.